The following is an entry in ClinVar:

NM_000179.3(MSH6):c.2618_2619del (p.Gly873fs)

Gene: MSH6 (mutS homolog 6; plus strand). Cytogenetic location: 2p16.3.
Variant type: Deletion.
Coding change: c.2618_2619del on transcript NM_000179.3 (MANE Select); coding-DNA positions 2618 to 2619, 2 bases deleted (GG; older notation c.2618_2619delGG).
Protein change: p.Gly873fs; shifts the reading frame from glycine 873.
Molecular consequence: frameshift variant.
Genome position (GRCh38, 1-based): chr2:47,800,601-47,800,602, GG deleted; deleting any 2 consecutive bases within chr2:47,800,600-47,800,602 gives the same sequence; the c. name uses the placement nearest the transcript's 3' end. VCF-style (leftmost placement, unchanged base first): chr2-47800599-AGG-A. GRCh37 (hg19) VCF-style: chr2-48027738-AGG-A.
Other names: c.2228_2229del, p.Gly743fs (NM_001281492.2); c.1712_1713del, p.Gly571fs (NM_001281493.2, NM_001281494.2); c.2618_2619delGG (NM_000179.2); short protein forms G743fs, G571fs, G873fs.
Identifiers: ClinVar variation 428370 (VCV000428370.6), dbSNP rs1114167749, ClinGen allele CA645369253.

ClinVar aggregate classification (germline): Pathogenic. Review status: criteria provided, multiple submitters, no conflicts (2 of 4 stars). 2 submissions from 2 submitters: Pathogenic (2). Last evaluated 2023-08-17.

Conditions:
Hereditary cancer-predisposing syndrome. Also called: Hereditary Cancer Syndrome; Neoplastic Syndromes, Hereditary; Hereditary neoplastic syndrome; Tumor predisposition. Identifiers: Orphanet 140162, MedGen C0027672, MeSH D009386, MONDO:0015356.
Lynch syndrome 5 (LYNCH5). Also called: Hereditary non-polyposis colorectal cancer, type 5; Colorectal cancer, hereditary nonpolyposis, type 5. Identifiers: Orphanet 144, MedGen C1833477, MONDO:0013710, OMIM 614350. Disease mechanism: loss of function.

Submissions (2):

Myriad Genetics, Inc.
Classification: Pathogenic for Lynch syndrome 5. Last evaluated: 2023-08-17. Review status: criteria provided, single submitter. Criteria: Myriad Autosomal Dominant, Autosomal Recessive and X-Linked Classification Criteria (2023). Collection method: clinical testing. Allele origin: unknown.
Comment: This variant is considered pathogenic. This variant creates a frameshift predicted to result in premature protein truncation.

Ambry Genetics
Classification: Pathogenic for Hereditary cancer-predisposing syndrome. Last evaluated: 2014-12-16. Review status: criteria provided, single submitter. Criteria: Ambry Variant Classification Scheme 2023. Collection method: clinical testing. Allele origin: germline.
Comment: The c.2618_2619delGG pathogenic mutation, located in coding exon 4 of the MSH6 gene, results from a deletion of two nucleotides at nucleotide positions 2618 and 2619 causing a translational frameshift with a predicted alternate stop codon (p.G873Dfs*7). Since frameshifts are typically deleterious in nature, this alteration is interpreted as a disease-causing mutation (ACMG Recommendations for Standards for Interpretation and Reporting of Sequence Variations. Revision 2007. Genet Med. 2008;10:294).